The following is an entry in ClinVar:

ClinVar aggregate classification (germline): Benign. Review status: criteria provided, multiple submitters, no conflicts (2 of 4 stars). 2 submissions from 2 submitters: Benign (2). Last evaluated 2018-01-13.

Conditions:
Thyroid dyshormonogenesis 6 (TDH6). Also called: THYROID HORMONOGENESIS, GENETIC DEFECT IN, 6; Genetic transient congenital hypothyroidism; HYPOTHYROIDISM, CONGENITAL, DUE TO DYSHORMONOGENESIS, 6. Identifiers: Orphanet 226316, Orphanet 95716, MedGen C1846632, MONDO:0011792, OMIM 607200.

Allele frequency attached by ClinVar (database versions not stated): gnomAD exomes 0.06250; 1000 Genomes Project 0.09685; 1000 Genomes Project 30x 0.10134; gnomAD 0.10314 and 0.10663; TOPMed 0.10606.

Submissions (2):

Illumina Laboratory Services, Illumina
Classification: Benign for Thyroid dyshormonogenesis 6. Last evaluated: 2018-01-13. Review status: criteria provided, single submitter. Criteria: ICSL Variant Classification Criteria 13 December 2019. Collection method: clinical testing. Allele origin: germline.
Comment: This variant was observed in the ICSL laboratory as part of a predisposition screen in an ostensibly healthy population. It had not been previously curated by ICSL or reported in the Human Gene Mutation Database (HGMD: prior to June 1st, 2018), and was therefore a candidate for classification through an automated scoring system. Utilizing variant allele frequency, disease prevalence and penetrance estimates, and inheritance mode, an automated score was calculated to assess if this variant is too frequent to cause the disease. Based on the score and internal cut-off values, a variant classified as benign is not then subjected to further curation. The score for this variant resulted in a classification of benign for this disease.

Breakthrough Genomics
Classification: Benign. Review status: criteria provided, single submitter. Criteria: ACMG Guidelines, 2015. Collection method: not provided. Allele origin: germline. Inheritance: Autosomal recessive inheritance. Affected: yes.

NM_001363711.2(DUOX2):c.*453T>C

Gene: DUOX2 (dual oxidase 2; minus strand). Cytogenetic location: 15q21.1.
Variant type: single nucleotide variant.
Coding change: c.*453T>C on transcript NM_001363711.2 (MANE Select); 453 bases downstream of the stop codon, T replaced by C.
Molecular consequence: 3 prime UTR variant.
Genome position (GRCh38, 1-based): chr15:45,093,697, A>G on the plus strand (T>C on the coding strand, the complement: DUOX2 is on the minus strand). VCF-style: chr15-45093697-A-G. GRCh37 (hg19) VCF-style: chr15-45385895-A-G.
Other names: c.*453T>C (NM_014080.5).
Identifiers: ClinVar variation 316129 (VCV000316129.6), dbSNP rs3743222, ClinGen allele CA10636046.
Genomic context (GRCh38, chr15:45,093,697, plus strand): 5'-CCTCCCTCAAATGTCAGTCCAAGCAAATACCAAAGCAACGCATCGATTTTGTGGAAGTCA[A>G]TTAGAGATGTGGGGAGCTATCGGAGACAAGCACTATTGTACCTTTTCACCTCCACACTTG-3'